The following is an entry in ClinVar:

ClinVar aggregate classification (germline): Likely benign (1 of 4 stars; one submission).

Allele frequency attached by ClinVar (database versions not stated): ExAC 0.00031; 1000 Genomes Project 30x 0.00078; 1000 Genomes Project 0.00100; ESP Exome Variant Server 0.00115; gnomAD 0.00126; TOPMed 0.00129.
gnomAD v4.1: 332 of 1,614,060 alleles (0.021%); highest among the groups gnomAD compares: African/African-American, 0.41%; 1 homozygote.

Submission:

CeGaT Center for Human Genetics Tuebingen
Classification: Likely benign. Last evaluated: 2022-05-01. Review status: criteria provided, single submitter. Criteria: CeGaT Center For Human Genetics Tuebingen Variant Classification Criteria Version 2. Collection method: clinical testing. Allele origin: germline. Affected: yes. Observed: 1 variant allele.
Comment: LMO7: BP4, BP7

NM_001306080.2(LMO7):c.3750C>G (p.Thr1250=)

Gene: LMO7 (LIM domain 7; plus strand). Cytogenetic location: 13q22.2.
Variant type: single nucleotide variant.
Coding change: c.3750C>G on transcript NM_001306080.2 (MANE Select); coding-DNA position 3750, C replaced by G.
Protein change: p.Thr1250=; no amino-acid change (threonine 1250 retained).
Molecular consequence: synonymous variant.
Genome position (GRCh38, 1-based): chr13:75,841,702, C>G. VCF-style: chr13-75841702-C-G. GRCh37 (hg19) VCF-style: chr13-76415838-C-G.
Other names: c.3051C>G, p.Thr1017= (NM_001330583.1, NM_001366632.2, NM_015842.2); c.3624C>G, p.Thr1208= (NM_001366633.2); c.2769C>G, p.Thr923= (NM_001366634.2, NM_001366636.2); c.2904C>G, p.Thr968= (NM_005358.5).
Identifiers: ClinVar variation 2643846 (VCV002643846.24), dbSNP rs111489505, ClinGen allele CA7006236.